The following is an entry in ClinVar:

NM_001005242.3(PKP2):c.1496A>G (p.Tyr499Cys)

Gene: PKP2 (plakophilin 2; minus strand). Cytogenetic location: 12p11.21.
Variant type: single nucleotide variant.
Coding change: c.1496A>G on transcript NM_001005242.3 (MANE Select); coding-DNA position 1496, A replaced by G.
Protein change: p.Tyr499Cys; replaces tyrosine 499 with cysteine.
Molecular consequence: missense variant.
Genome position (GRCh38, 1-based): chr12:32,841,088, T>C on the plus strand (A>G on the coding strand, the complement: PKP2 is on the minus strand). VCF-style: chr12-32841088-T-C. GRCh37 (hg19) VCF-style: chr12-32994022-T-C.
Other names: c.1496A>G, p.Tyr499Cys (NM_001407155.1, NM_001407156.1, NM_001407161.1); c.1628A>G, p.Tyr543Cys (NM_001407157.1, NM_004572.4); c.1169A>G, p.Tyr390Cys (NM_001407158.1, NM_001407159.1, NM_001407160.1 and 1 more transcripts); short protein forms Y390C, Y499C, Y543C.
Identifiers: ClinVar variation 3893893 (VCV003893893.1).

ClinVar aggregate classification (germline): Uncertain significance (1 of 4 stars; one submission).

Conditions:
Cardiomyopathy (CMYO). Also called: Cardiomyopathies. Identifiers: Orphanet 167848, MedGen C0878544, MONDO:0004994, HP:0001638. Inheritance: Various modes of inheritance.

gnomAD v4.1: 1 of 1,613,966 alleles (0.000062%); highest among the groups gnomAD compares: East Asian, 0.0022%; no homozygotes.

Submission:

Color Diagnostics, LLC DBA Color Health
Classification: Uncertain significance for Cardiomyopathy. Last evaluated: 2024-12-10. Review status: criteria provided, single submitter. Criteria: ACMG Guidelines, 2015. Collection method: clinical testing. Allele origin: germline.
Comment: This missense variant replaces tyrosine with cysteine at codon 543 of the PKP2 protein. Computational prediction suggests that this variant may not impact protein structure and function (internally defined REVEL score threshold <= 0.5, PMID: 27666373). To our knowledge, functional studies have not been reported for this variant. This variant has not been reported in individuals affected with PKP2-related disorders in the literature. This variant has been identified in 1/251356 chromosomes in the general population by the Genome Aggregation Database (gnomAD). The available evidence is insufficient to determine the role of this variant in disease conclusively. Therefore, this variant is classified as a Variant of Uncertain Significance.